The following is an entry in ClinVar:

NM_001481.3(DRC4):c.554T>C (p.Ile185Thr)

Gene: DRC4 (dynein regulatory complex subunit 4; plus strand). Cytogenetic location: 16q24.3.
Variant type: single nucleotide variant.
Coding change: c.554T>C on transcript NM_001481.3 (MANE Select); coding-DNA position 554, T replaced by C.
Protein change: p.Ile185Thr; replaces isoleucine 185 with threonine.
Molecular consequence: missense variant. On other transcripts: 5 prime UTR variant (1).
Genome position (GRCh38, 1-based): chr16:90,036,384, T>C. VCF-style: chr16-90036384-T-C. GRCh37 (hg19) VCF-style: chr16-90102792-T-C.
Other names: c.305T>C, p.Ile102Thr (NM_001286205.2); c.-23T>C (NM_001286208.2); c.479T>C, p.Ile160Thr (NM_001286209.2); c.554T>C (NM_001481.2); short protein forms I160T, I185T, I102T.
Identifiers: ClinVar variation 1464615 (VCV001464615.6), dbSNP rs751798742, ClinGen allele CA8257880.

ClinVar aggregate classification (germline): Uncertain significance. Review status: criteria provided, multiple submitters, no conflicts (2 of 4 stars). 2 submissions from 2 submitters: Uncertain significance (2). Last evaluated 2023-10-13.

Conditions:
Inborn genetic diseases. Identifiers: MedGen C0950123, MeSH D030342.
Primary ciliary dyskinesia 33. Also called: CILIARY DYSKINESIA, PRIMARY, 33, WITHOUT SITUS INVERSUS. Identifiers: Orphanet 244, MedGen C4225230, MONDO:0014750, OMIM 616726.

Allele frequency attached by ClinVar (database versions not stated): gnomAD exomes below 0.00001 and 0.00001; ExAC 0.00001; gnomAD 0.00001; TOPMed 0.00001.
gnomAD v4.1: 4 of 1,598,102 alleles (0.00025%); highest among the groups gnomAD compares: Admixed American, 0.0017%; no homozygotes.

Submissions (2):

Ambry Genetics
Classification: Uncertain significance for Inborn genetic diseases. Last evaluated: 2023-10-13. Review status: criteria provided, single submitter. Criteria: Ambry Variant Classification Scheme 2023. Collection method: clinical testing. Allele origin: germline.

Labcorp Genetics (formerly Invitae), Labcorp
Classification: Uncertain significance for Primary ciliary dyskinesia 33. Last evaluated: 2021-08-31. Review status: criteria provided, single submitter. Criteria: Invitae Variant Classification Sherloc (09022015). Collection method: clinical testing. Allele origin: germline.
Comment: This sequence change replaces isoleucine with threonine at codon 185 of the GAS8 protein (p.Ile185Thr). The isoleucine residue is moderately conserved and there is a moderate physicochemical difference between isoleucine and threonine. This variant is present in population databases (rs751798742, ExAC 0.002%). This variant has not been reported in the literature in individuals affected with GAS8-related conditions. Algorithms developed to predict the effect of missense changes on protein structure and function (SIFT, PolyPhen-2, Align-GVGD) all suggest that this variant is likely to be tolerated. In summary, the available evidence is currently insufficient to determine the role of this variant in disease. Therefore, it has been classified as a Variant of Uncertain Significance.